The following is an entry in ClinVar:

NM_000257.4(MYH7):c.2437G>C (p.Val813Leu)

Genes: MYH7 (myosin heavy chain 7; minus strand), LOC126861898 (BRD4-independent group 4 enhancer GRCh37_chr14:23893609-23894808; plus strand). Cytogenetic location: 14q11.2.
Variant type: single nucleotide variant.
Coding change: c.2437G>C on transcript NM_000257.4 (MANE Select); coding-DNA position 2437, G replaced by C.
Protein change: p.Val813Leu; replaces valine 813 with leucine.
Molecular consequence: missense variant.
Genome position (GRCh38, 1-based): chr14:23,425,011, C>G on the plus strand (G>C on the coding strand, the complement: MYH7 is on the minus strand). VCF-style: chr14-23425011-C-G. GRCh37 (hg19) VCF-style: chr14-23894220-C-G.
Other names: short protein forms V813L.
Identifiers: ClinVar variation 454356 (VCV000454356.9), dbSNP rs1555337771, ClinGen allele CA389048414.

ClinVar aggregate classification (germline): Uncertain significance (1 of 4 stars; one submission).

Conditions:
Hypertrophic cardiomyopathy. Also called: HYPERTROPHIC MYOCARDIOPATHY. Identifiers: Orphanet 217569, MedGen C0007194, MeSH D002312, MONDO:0005045, HP:0001639.

Submission:

Labcorp Genetics (formerly Invitae), Labcorp
Classification: Uncertain significance for Hypertrophic cardiomyopathy. Last evaluated: 2017-06-17. Review status: criteria provided, single submitter. Criteria: Invitae Variant Classification Sherloc (09022015). Collection method: clinical testing. Allele origin: germline.
Comment: In summary, the available evidence is currently insufficient to determine the role of this variant in disease. Therefore, it has been classified as a Variant of Uncertain Significance. This variant is found within a region of MYH7 between codons 181 and 937 that contains the majority of the myosin head domain. Missense variants in this region have been shown to be significantly overrepresented in individuals with hypertrophic cardiomyopathy (PMID: 27532257). These observations suggest that a previously unreported missense substitution within this region may affect protein function, but experiments have not been done to test this possibility. An algorithm developed specifically for the MYH7 gene (PMID: 21310275), suggests that this missense change is likely to be deleterious. However, this prediction has not been confirmed by published functional studies and its clinical significance is uncertain. This variant has not been reported in the literature in individuals with MYH7-related disease. This variant is not present in population databases (ExAC no frequency). This sequence change replaces valine with leucine at codon 813 of the MYH7 protein (p.Val813Leu). The valine residue is weakly conserved and there is a small physicochemical difference between valine and leucine.

Literature cited by the submitters: PubMed 27532257; PubMed 21310275.